The following is an entry in ClinVar:

NM_144596.4(TTC8):c.1073A>G (p.Tyr358Cys)

Gene: TTC8 (tetratricopeptide repeat domain 8; plus strand). Cytogenetic location: 14q31.3.
Variant type: single nucleotide variant.
Coding change: c.1073A>G on transcript NM_144596.4 (MANE Select); coding-DNA position 1073, A replaced by G.
Protein change: p.Tyr358Cys; replaces tyrosine 358 with cysteine.
Molecular consequence: missense variant. On other transcripts: non-coding transcript variant (1).
Genome position (GRCh38, 1-based): chr14:88,871,572, A>G. VCF-style: chr14-88871572-A-G. GRCh37 (hg19) VCF-style: chr14-89337916-A-G.
Other names: c.1121A>G, p.Tyr374Cys (NM_001288781.1); c.479A>G, p.Tyr160Cys (NM_001288782.1); c.356A>G, p.Tyr119Cys (NM_001288783.1); c.1043A>G, p.Tyr348Cys (NM_001366535.2, NM_198309.3); c.953A>G, p.Tyr318Cys (NM_001366536.2, NM_198310.3); c.1043A>G (NM_198309.2); short protein forms Y119C, Y160C, Y318C, Y348C, Y358C, Y374C.
Identifiers: ClinVar variation 3353805 (VCV003353805.4).

ClinVar aggregate classification (germline): Uncertain significance. Review status: criteria provided, multiple submitters, no conflicts (2 of 4 stars). 4 submissions from 4 submitters: Uncertain significance (3). 1 of the submissions does not count toward it. Last evaluated 2025-11-11.

Conditions:
TTC8-related disorder. Also called: TTC8-related condition.
Bardet-Biedl syndrome (BBS). Identifiers: Orphanet 110, MedGen C0752166, MONDO:0015229.
Inborn genetic diseases. Identifiers: MedGen C0950123, MeSH D030342.

Submissions (4):

Ambry Genetics
Classification: Uncertain significance for Inborn genetic diseases. Last evaluated: 2025-11-11. Review status: criteria provided, single submitter. Criteria: Ambry Variant Classification Scheme 2023. Collection method: clinical testing. Allele origin: germline.

Labcorp Genetics (formerly Invitae), Labcorp
Classification: Uncertain significance for Bardet-Biedl syndrome. Last evaluated: 2025-10-19. Review status: criteria provided, single submitter. Criteria: Invitae Variant Classification Sherloc (09022015). Collection method: clinical testing. Allele origin: germline.
Comment: This sequence change replaces tyrosine, which is neutral and polar, with cysteine, which is neutral and slightly polar, at codon 348 of the TTC8 protein (p.Tyr348Cys). This variant is not present in population databases (gnomAD no frequency). This variant has not been reported in the literature in individuals affected with TTC8-related conditions. ClinVar contains an entry for this variant (Variation ID: 3353805). Invitae Evidence Modeling of protein sequence and biophysical properties (such as structural, functional, and spatial information, amino acid conservation, physicochemical variation, residue mobility, and thermodynamic stability) indicates that this missense variant is not expected to disrupt TTC8 protein function with a negative predictive value of 80%. In summary, the available evidence is currently insufficient to determine the role of this variant in disease. Therefore, it has been classified as a Variant of Uncertain Significance.

Blueprint Genetics
Classification: Uncertain significance. Last evaluated: 2019-08-14. Review status: criteria provided, single submitter. Criteria: ACMG Guidelines, 2015. Collection method: clinical testing. Allele origin: germline.

PreventionGenetics, part of Exact Sciences
Classification: Uncertain significance for TTC8-related condition. Last evaluated: 2024-06-03. Review status: no assertion criteria provided. Collection method: clinical testing. Allele origin: germline. Not counted in ClinVar's aggregate classification.
Comment: The TTC8 c.1073A>G variant is predicted to result in the amino acid substitution p.Tyr358Cys. To our knowledge, this variant has not been reported in the literature or in a large population database, indicating this variant is rare. At this time, the clinical significance of this variant is uncertain due to the absence of conclusive functional and genetic evidence.